The following is an entry in ClinVar:

ClinVar aggregate classification (germline): Uncertain significance (1 of 4 stars; one submission).

Conditions:
Inborn genetic diseases. Identifiers: MedGen C0950123, MeSH D030342.

gnomAD v4.1: 1 of 1,581,616 alleles (0.000063%); highest among the groups gnomAD compares: South Asian, 0.0011%; no homozygotes.

Submission:

Ambry Genetics
Classification: Uncertain significance for Inborn genetic diseases. Last evaluated: 2025-03-28. Review status: criteria provided, single submitter. Criteria: Ambry Variant Classification Scheme 2023. Collection method: clinical testing. Allele origin: germline.
Comment: The p.E1376K variant (also known as c.4126G>A), located in coding exon 29 of the ANKRD26 gene, results from a G to A substitution at nucleotide position 4126. The glutamic acid at codon 1376 is replaced by lysine, an amino acid with similar properties. This amino acid position is conserved. In addition, this alteration is predicted to be tolerated by in silico analysis. Based on the available evidence, the clinical significance of this variant remains unclear.

NM_014915.3(ANKRD26):c.4126G>A (p.Glu1376Lys)

Gene: ANKRD26 (ankyrin repeat domain containing 26; minus strand). Cytogenetic location: 10p12.1.
Variant type: single nucleotide variant.
Coding change: c.4126G>A on transcript NM_014915.3 (MANE Select); coding-DNA position 4126, G replaced by A.
Protein change: p.Glu1376Lys; replaces glutamic acid 1376 with lysine.
Molecular consequence: missense variant.
Genome position (GRCh38, 1-based): chr10:27,022,647, C>T on the plus strand (G>A on the coding strand, the complement: ANKRD26 is on the minus strand). VCF-style: chr10-27022647-C-T. GRCh37 (hg19) VCF-style: chr10-27311576-C-T.
Other names: c.4123G>A, p.Glu1375Lys (NM_001256053.2); short protein forms E1375K, E1376K.
Identifiers: ClinVar variation 3912263 (VCV003912263.1).